The following is an entry in ClinVar:

ClinVar aggregate classification (germline): Uncertain significance. Review status: criteria provided, multiple submitters, no conflicts (2 of 4 stars). 2 submissions from 2 submitters: Uncertain significance (2). Last evaluated 2023-10-08.

Allele frequency attached by ClinVar (database versions not stated): TOPMed below 0.00001; gnomAD 0.00001; gnomAD exomes 0.00001.
gnomAD v4.1: 11 of 1,614,044 alleles (0.00068%); highest among the groups gnomAD compares: Non-Finnish European, 0.00093%; no homozygotes.

Submissions (2):

Labcorp Genetics (formerly Invitae), Labcorp
Classification: Uncertain significance. Last evaluated: 2023-10-08. Review status: criteria provided, single submitter. Criteria: Invitae Variant Classification Sherloc (09022015). Collection method: clinical testing. Allele origin: germline.
Comment: This sequence change replaces alanine, which is neutral and non-polar, with serine, which is neutral and polar, at codon 519 of the MYH3 protein (p.Ala519Ser). This variant is not present in population databases (gnomAD no frequency). This variant has not been reported in the literature in individuals affected with MYH3-related conditions. ClinVar contains an entry for this variant (Variation ID: 1196214). Advanced modeling of protein sequence and biophysical properties (such as structural, functional, and spatial information, amino acid conservation, physicochemical variation, residue mobility, and thermodynamic stability) performed at Invitae indicates that this missense variant is not expected to disrupt MYH3 protein function. In summary, the available evidence is currently insufficient to determine the role of this variant in disease. Therefore, it has been classified as a Variant of Uncertain Significance.

GeneDx
Classification: Uncertain significance. Last evaluated: 2019-12-11. Review status: criteria provided, single submitter. Criteria: GeneDx Variant Classification Process June 2021. Collection method: clinical testing. Allele origin: germline. Affected: yes.
Comment: Not observed in large population cohorts (Lek et al., 2016); In silico analysis, which includes protein predictors and evolutionary conservation, supports that this variant does not alter protein structure/function; Has not been previously published as pathogenic or benign to our knowledge

NM_002470.4(MYH3):c.1555G>T (p.Ala519Ser)

Gene: MYH3 (myosin heavy chain 3; minus strand). Cytogenetic location: 17p13.1.
Variant type: single nucleotide variant.
Coding change: c.1555G>T on transcript NM_002470.4 (MANE Select); coding-DNA position 1555, G replaced by T.
Protein change: p.Ala519Ser; replaces alanine 519 with serine.
Molecular consequence: missense variant.
Genome position (GRCh38, 1-based): chr17:10,642,852, C>A on the plus strand (G>T on the coding strand, the complement: MYH3 is on the minus strand). VCF-style: chr17-10642852-C-A. GRCh37 (hg19) VCF-style: chr17-10546169-C-A.
Other names: short protein forms A519S.
Identifiers: ClinVar variation 1196214 (VCV001196214.5), dbSNP rs921836422, ClinGen allele CA287787986.
Genomic context (GRCh38, chr17:10,642,852, plus strand): 5'-GAGAAGAGCTTACGGTGGGGATGGAACTGGATACCTTCTCGATGAGCTCGATGCAGGCAG[C>A]CAGGTCCATCCCGAAGTCAATGAACGTCCACTCGATGCCTTCCTTCTTGTACTCCTCCTG-3'
Protein context (NP_002461.2, residues 509-529): WTFIDFGMDL[Ala519Ser]ACIELIEKPM